The following is an entry in ClinVar:

NM_001351132.2(PEX5):c.991C>T (p.Pro331Ser)

Gene: PEX5 (peroxisomal biogenesis factor 5; plus strand). Cytogenetic location: 12p13.31.
Variant type: single nucleotide variant.
Coding change: c.991C>T on transcript NM_001351132.2 (MANE Select); coding-DNA position 991, C replaced by T.
Protein change: p.Pro331Ser; replaces proline 331 with serine.
Molecular consequence: missense variant.
Genome position (GRCh38, 1-based): chr12:7,207,683, C>T. VCF-style: chr12-7207683-C-T. GRCh37 (hg19) VCF-style: chr12-7360279-C-T.
Other names: c.967C>T, p.Pro323Ser (NM_000319.5); c.1036C>T, p.Pro346Ser (NM_001131023.2); c.880C>T, p.Pro294Ser (NM_001131024.2, NM_001351124.3, NM_001351126.2 and 7 more transcripts); c.991C>T, p.Pro331Ser (NM_001131025.2, NM_001131026.2, NM_001300789.3 and 4 more transcripts); c.925C>T, p.Pro309Ser (NM_001351135.3, NM_001351138.2); c.982C>T, p.Pro328Ser (NM_001351136.2); c.856C>T, p.Pro286Ser (NM_001351139.2, NM_001351140.2, NM_001374649.2); short protein forms P331S, P286S, P323S, P294S, P346S, P309S, P328S.
Identifiers: ClinVar variation 966985 (VCV000966985.7), dbSNP rs1311867918, ClinGen allele CA383729917.

ClinVar aggregate classification (germline): Uncertain significance (1 of 4 stars; one submission).

Conditions:
Peroxisome biogenesis disorder 2B (PBD2B). Identifiers: Orphanet 44, MedGen C3550234, MONDO:0008736, OMIM 202370.

Allele frequency attached by ClinVar (database versions not stated): gnomAD exomes below 0.00001; TOPMed below 0.00001; gnomAD 0.00001.
gnomAD v4.1: 3 of 1,613,988 alleles (0.00019%); highest among the groups gnomAD compares: African/African-American, 0.0027%; no homozygotes.

Submission:

Labcorp Genetics (formerly Invitae), Labcorp
Classification: Uncertain significance for Peroxisome biogenesis disorder 2B. Last evaluated: 2022-09-13. Review status: criteria provided, single submitter. Criteria: Invitae Variant Classification Sherloc (09022015). Collection method: clinical testing. Allele origin: germline.
Comment: This sequence change replaces proline, which is neutral and non-polar, with serine, which is neutral and polar, at codon 331 of the PEX5 protein (p.Pro331Ser). This variant is present in population databases (no rsID available, gnomAD 0.01%). This variant has not been reported in the literature in individuals affected with PEX5-related conditions. ClinVar contains an entry for this variant (Variation ID: 966985). Advanced modeling of protein sequence and biophysical properties (such as structural, functional, and spatial information, amino acid conservation, physicochemical variation, residue mobility, and thermodynamic stability) performed at Invitae indicates that this missense variant is expected to disrupt PEX5 protein function. In summary, the available evidence is currently insufficient to determine the role of this variant in disease. Therefore, it has been classified as a Variant of Uncertain Significance.